The following is an entry in ClinVar:

NM_001035.3(RYR2):c.6688+229A>G

Gene: RYR2 (ryanodine receptor 2; plus strand). Cytogenetic location: 1q43.
Variant type: single nucleotide variant.
Coding change: c.6688+229A>G on transcript NM_001035.3 (MANE Select); 229 bases into the intron after coding-DNA position 6688, A replaced by G.
Molecular consequence: intron variant.
Genome position (GRCh38, 1-based): chr1:237,633,939, A>G. VCF-style: chr1-237633939-A-G. GRCh37 (hg19) VCF-style: chr1-237797239-A-G.
Identifiers: ClinVar variation 673646 (VCV000673646.1), dbSNP rs150133717, ClinGen allele CA39784545.

ClinVar aggregate classification (germline): Likely benign (1 of 4 stars; one submission).

Allele frequency attached by ClinVar (database versions not stated): gnomAD 0.00949 and 0.01009; 1000 Genomes Project 0.00998; 1000 Genomes Project 30x 0.00999; TOPMed 0.01050.
gnomAD v4.1: 1,422 of 152,284 alleles (0.93%); highest among the groups gnomAD compares: African/African-American, 3.3%; 26 homozygotes.

Submission:

GeneDx
Classification: Likely benign. Last evaluated: 2018-06-14. Review status: criteria provided, single submitter. Criteria: GeneDx Variant Classification (06012015). Collection method: clinical testing. Allele origin: germline. Affected: yes.
Comment: This variant is considered likely benign or benign based on one or more of the following criteria: it is a conservative change, it occurs at a poorly conserved position in the protein, it is predicted to be benign by multiple in silico algorithms, and/or has population frequency not consistent with disease.